The following is an entry in ClinVar:

ClinVar aggregate classification (germline): Uncertain significance. Review status: criteria provided, multiple submitters, no conflicts (2 of 4 stars). 2 submissions from 2 submitters: Uncertain significance (2). Last evaluated 2020-10-11.

Conditions:
Proline dehydrogenase deficiency (HYRPRO1). Also called: Hyperprolinemia type 1; PROLINE OXIDASE DEFICIENCY. Identifiers: Orphanet 419, MedGen C0268529, MONDO:0009400, OMIM 239500.

Submissions (2):

Labcorp Genetics (formerly Invitae), Labcorp
Classification: Uncertain significance for Proline dehydrogenase deficiency. Last evaluated: 2020-10-11. Review status: criteria provided, single submitter. Criteria: Invitae Variant Classification Sherloc (09022015). Collection method: clinical testing. Allele origin: germline.
Comment: This variant has not been reported in the literature in individuals with PRODH-related conditions. ClinVar contains an entry for this variant (Variation ID: 392188). This sequence change replaces aspartic acid with glycine at codon 364 of the PRODH protein (p.Asp364Gly). The aspartic acid residue is moderately conserved and there is a moderate physicochemical difference between aspartic acid and glycine. This variant is not present in population databases (ExAC no frequency). Algorithms developed to predict the effect of missense changes on protein structure and function are either unavailable or do not agree on the potential impact of this missense change (SIFT: "Tolerated"; PolyPhen-2: "Probably Damaging"; Align-GVGD: "Class C0"). In summary, the available evidence is currently insufficient to determine the role of this variant in disease. Therefore, it has been classified as a Variant of Uncertain Significance.

GeneDx
Classification: Uncertain significance. Last evaluated: 2017-01-13. Review status: criteria provided, single submitter. Criteria: GeneDx Variant Classification (06012015). Collection method: clinical testing. Allele origin: germline. Affected: yes.
Comment: The D364G variant in the PRODH gene has not been reported previously as a pathogenic variant, nor as a benign variant, to our knowledge. The D364G variant was not observed in approximately 6500 individuals of European and African American ancestry in the NHLBI Exome Sequencing Project, indicating it is not a common benign variant in these populations. The D364G variant is a non-conservative amino acid substitution, which is likely to impact secondary protein structure as these residues differ in polarity, charge, size and/or other properties. This substitution occurs at a position that is conserved across species. In silico analysis predicts this variant is probably damaging to the protein structure/function. We interpret D364G as a variant of uncertain significance.

NM_016335.6(PRODH):c.1091A>G (p.Asp364Gly)

Gene: PRODH (proline dehydrogenase 1; minus strand). Cytogenetic location: 22q11.21.
Variant type: single nucleotide variant.
Coding change: c.1091A>G on transcript NM_016335.6 (MANE Select); coding-DNA position 1091, A replaced by G.
Protein change: p.Asp364Gly; replaces aspartic acid 364 with glycine.
Molecular consequence: missense variant.
Genome position (GRCh38, 1-based): chr22:18,919,719, T>C on the plus strand (A>G on the coding strand, the complement: PRODH is on the minus strand). VCF-style: chr22-18919719-T-C. GRCh37 (hg19) VCF-style: chr22-18907232-T-C.
Other names: c.767A>G, p.Asp256Gly (NM_001195226.2); short protein forms D364G, D256G.
Identifiers: ClinVar variation 392188 (VCV000392188.9), dbSNP rs1057524390, ClinGen allele CA16608555.